The following is an entry in ClinVar:

NM_005422.4(TECTA):c.1502C>T (p.Ser501Phe)

Genes: TBCEL-TECTA (TBCEL-TECTA readthrough; plus strand), TECTA (tectorin alpha; plus strand). Cytogenetic location: 11q23.3.
Variant type: single nucleotide variant.
Coding change: c.1502C>T on transcript NM_005422.4 (MANE Select); coding-DNA position 1502, C replaced by T.
Protein change: p.Ser501Phe; replaces serine 501 with phenylalanine.
Molecular consequence: missense variant.
Genome position (GRCh38, 1-based): chr11:121,125,600, C>T. VCF-style: chr11-121125600-C-T. GRCh37 (hg19) VCF-style: chr11-120996309-C-T.
Other names: c.2459C>T, p.Ser820Phe (NM_001378761.1); short protein forms S501F, S820F.
Identifiers: ClinVar variation 178535 (VCV000178535.28), dbSNP rs148426950, ClinGen allele CA182511.
Genomic context (GRCh38, chr11:121,125,600, plus strand): 5'-TGTCTGTCCTGGATCTGGGAGAGAGCTGGCGTGTGTACCACGCAGACTGGAAGTGCGACT[C>T]CGGCTGCGTCGACAACTGCACCCAGTGCGACGCTGCCACTGAAGCCCTCTACTTTGGCTC-3'
Protein context (NP_005413.2, residues 491-511): RVYHADWKCD[Ser501Phe]GCVDNCTQCD

ClinVar aggregate classification (germline): Conflicting classifications of pathogenicity. Review status: criteria provided, conflicting classifications (1 of 4 stars). 10 submissions from 9 submitters: Uncertain significance (7); Benign (1); Likely benign (2). Last evaluated 2026-09-04.

Conditions:
TECTA-related disorder. Also called: TECTA-related condition.
Autosomal recessive nonsyndromic hearing loss 21. Identifiers: Orphanet 90636, MedGen C1863655, MONDO:0011351, OMIM 603629.
Autosomal dominant nonsyndromic hearing loss 12. Also called: DEAFNESS, AUTOSOMAL DOMINANT 8. Identifiers: Orphanet 90635, MedGen C1832187, MONDO:0011102, OMIM 601543.
Ear malformation. Also called: CUP EAR; Abnormality of the ear. Identifiers: MedGen C0266589, MONDO:0007500, OMIM 128600, HP:0000598.

Allele frequency attached by ClinVar (database versions not stated): 1000 Genomes Project 30x 0.00031; 1000 Genomes Project 0.00040; gnomAD exomes 0.00049 and 0.00090; ExAC 0.00053; TOPMed 0.00059; gnomAD 0.00060 and 0.00062; ESP Exome Variant Server 0.00085.
gnomAD v4.1: 1,382 of 1,613,846 alleles (0.086%); highest among the groups gnomAD compares: Middle Eastern, 0.18%; 2 homozygotes.

Submissions (10):

GeneDx
Classification: Uncertain significance. Last evaluated: 2026-09-04. Review status: criteria provided, single submitter. Criteria: GeneDx Variant Classification Process June 2021. Collection method: clinical testing. Allele origin: germline.
Comment: Identified as a single heterozygous variant in a patient with non-syndromic hearing loss in published literature; reported as a likely benign variant (PMID: 27068579); In silico analysis supports that this missense variant has a deleterious effect on protein structure/function; This variant is associated with the following publications: (PMID: 21520338, 9590290, 31554319, 34515852, 27068579)

PreventionGenetics, part of Exact Sciences
Classification: Uncertain significance for TECTA-related condition. Last evaluated: 2026-08-17. Review status: criteria provided, single submitter. Criteria: ACMG Guidelines, 2015. Collection method: clinical testing. Allele origin: germline.
Comment: The TECTA c.1502C>T variant is predicted to result in the amino acid substitution p.Ser501Phe. This variant was reported in heterozygous state in an individual with sensorineural hearing loss and was assessed as variant of uncertain significance, however other variants in genes associated with hearing loss were also detected in this individual (Table S, Florentine et al. 2022. PubMed ID: 34515852). This variant was also reported in another hearing loss study, however context was not provided and variant was assessed as a polymorphism (Table S1, Sommen et al. 2016. PubMed ID: 27068579). This variant is reported in 0.090% of alleles in individuals of European (Non-Finnish) descent in gnomAD. Although we suspect that this variant may be benign, at this time, the clinical significance of this variant is uncertain due to the absence of conclusive functional and genetic evidence.

Labcorp Genetics (formerly Invitae), Labcorp
Classification: Benign. Last evaluated: 2026-01-20. Review status: criteria provided, single submitter. Criteria: Invitae Variant Classification Sherloc (09022015). Collection method: clinical testing. Allele origin: germline.

CeGaT Center for Human Genetics Tuebingen
Classification: Likely benign. Last evaluated: 2025-10-01. Review status: criteria provided, single submitter. Criteria: CeGaT Center For Human Genetics Tuebingen Variant Classification Criteria Version 2. Collection method: clinical testing. Allele origin: germline. Affected: yes. Observed: 2 variant alleles.
Comment: TECTA: BP4

Daryl Scott Lab, Baylor College of Medicine
Classification: Uncertain significance for Autosomal recessive nonsyndromic hearing loss 21. Last evaluated: 2025-08-25. Review status: criteria provided, single submitter. Criteria: ACMG Guidelines, 2015. Collection method: clinical testing. Allele origin: paternal. Affected: yes. Observed: 1 compound heterozygote.
Comment: BP4

Blueprint Genetics
Classification: Uncertain significance. Last evaluated: 2024-11-01. Review status: criteria provided, single submitter. Criteria: ACMG Guidelines, 2015. Collection method: clinical testing. Allele origin: germline.

Cambridge Genomics Laboratory, East Genomic Laboratory Hub, NHS Genomic Medicine Service
Classification: Uncertain significance for Ear malformation. Last evaluated: 2019-09-24. Review status: criteria provided, single submitter. Criteria: ACGS Best Practice Guidelines for Variant Classification in Rare Disease 2020. Collection method: clinical testing. Allele origin: germline. Affected: yes. Observed: 1 variant allele.

Laboratory for Molecular Medicine, Mass General Brigham Personalized Medicine
Classification: Likely benign. Last evaluated: 2018-11-06. Review status: criteria provided, single submitter. Criteria: LMM Criteria. Collection method: clinical testing. Allele origin: germline. Observed: 4 variant alleles.
Comment: The p.Ser501Phe variant in TECTA is classified as likely benign because it has n ot been reported in the literature, but has been identified in 0.26% (7/2670) of Bulgarian chromosomes and 0.09% (116/128954) of all European chromosomes by gno mAD. Furthermore, computational prediction to ols and conservation analysis suggest that this variant may not impact the prote in. ACMG/AMP Criteria applied: BS1_Supporting, BP4.

Illumina Laboratory Services, Illumina
Classification: Uncertain significance for Autosomal recessive nonsyndromic hearing loss 21. Last evaluated: 2017-05-26. Review status: criteria provided, single submitter. Criteria: ICSL Variant Classification Criteria 13 December 2019. Collection method: clinical testing. Allele origin: germline.
Comment: This variant was observed as part of a predisposition screen in an ostensibly healthy population. A literature search was performed for the gene, cDNA change, and amino acid change (where applicable). Publications were found based on this search. However, the evidence from the literature, in combination with allele frequency data from public databases where available, was not sufficient to rule this variant in or out of causing disease. Therefore, this variant is classified as a variant of unknown significance.

Illumina Laboratory Services, Illumina
Classification: Uncertain significance for Autosomal dominant nonsyndromic hearing loss 12. Last evaluated: 2017-04-27. Review status: criteria provided, single submitter. Criteria: ICSL Variant Classification Criteria 13 December 2019. Collection method: clinical testing. Allele origin: germline.

Literature cited by the submitters: PubMed 27068579 (cited by Illumina Laboratory Services, Illumina).